The following is an entry in ClinVar:

NM_001184.4(ATR):c.2956G>C (p.Asp986His)

Gene: ATR (ATR checkpoint kinase; minus strand). Cytogenetic location: 3q23.
Variant type: single nucleotide variant.
Coding change: c.2956G>C on transcript NM_001184.4 (MANE Select); coding-DNA position 2956, G replaced by C.
Protein change: p.Asp986His; replaces aspartic acid 986 with histidine.
Molecular consequence: missense variant.
Genome position (GRCh38, 1-based): chr3:142,550,152, C>G on the plus strand (G>C on the coding strand, the complement: ATR is on the minus strand). VCF-style: chr3-142550152-C-G. GRCh37 (hg19) VCF-style: chr3-142268994-C-G.
Other names: c.2764G>C, p.Asp922His (NM_001354579.2); short protein forms D922H, D986H.
Identifiers: ClinVar variation 1798110 (VCV001798110.2), dbSNP rs2108456066, ClinGen allele CA354812660.

ClinVar aggregate classification (germline): Uncertain significance (1 of 4 stars; one submission).

Conditions:
Inborn genetic diseases. Identifiers: MedGen C0950123, MeSH D030342.

Submission:

Ambry Genetics
Classification: Uncertain significance for Inborn genetic diseases. Last evaluated: 2022-01-14. Review status: criteria provided, single submitter. Criteria: Ambry Variant Classification Scheme 2023. Collection method: clinical testing. Allele origin: germline.
Comment: The p.D986H variant (also known as c.2956G>C), located in coding exon 14 of the ATR gene, results from a G to C substitution at nucleotide position 2956. The aspartic acid at codon 986 is replaced by histidine, an amino acid with similar properties. This amino acid position is conserved. In addition, this alteration is predicted to be deleterious by in silico analysis. Since supporting evidence is limited at this time, the clinical significance of this alteration remains unclear.